The following is an entry in ClinVar:

ClinVar aggregate classification (germline): Pathogenic (1 of 4 stars; one submission).

Conditions:
Immunodeficiency 67. Also called: Immunodeficiency due to interleukin-1 receptor-associated kinase-4 deficiency. Identifiers: Orphanet 70592, MedGen C1843256, MONDO:0011888, OMIM 607676.

Submission:

Labcorp Genetics (formerly Invitae), Labcorp
Classification: Pathogenic for Immunodeficiency 67. Last evaluated: 2025-11-03. Review status: criteria provided, single submitter. Criteria: Invitae Variant Classification Sherloc (09022015). Collection method: clinical testing. Allele origin: germline.
Comment: This sequence change creates a premature translational stop signal (p.Ile185_Ser186delinsArgGlyThrTyr*) in the IRAK4 gene. It is expected to result in an absent or disrupted protein product. Loss-of-function variants in IRAK4 are known to be pathogenic (PMID: 17893200, 21057262). This variant is not present in population databases (gnomAD no frequency). This variant has not been reported in the literature in individuals affected with IRAK4-related conditions. ClinVar contains an entry for this variant (Variation ID: 3648245). For these reasons, this variant has been classified as Pathogenic.

Literature cited by the submitters: PubMed 17893200; PubMed 21057262.

NM_016123.4(IRAK4):c.554_556delinsGGGGTACATATTAGCATTTTGTACCATTATTATTGGTGCTAAAGTTTGATCACTTGGTGAAGGAAGTGTACTTCAGATTTCCTCATTAAAAATGTACCCTTCTCTTTCATACTTCACAAGTAATTTGTGTACAATACTTTTTCTCTATCTATTGAGGGGGTCTTGCTCTGTCACTCAGGCTGGAGTGCAGTGGCATGATCATGGCTCACTGCAGCCTTGACTTCCTGGGCTCAGGTGATCCTCCCACCTCAACCTCCCAAGTAGCTGGGACTACAGGCGTGCACTACCACACCCAGCTAATTTTTTGTAGTGATGGGGTTTTAC (p.Ile185_Ser186delinsArgGlyThrTyrTer)

Gene: IRAK4 (interleukin 1 receptor associated kinase 4; plus strand). Cytogenetic location: 12q12.
Variant type: Indel.
Coding change: c.554_556delinsGGGGTACATATTAGCATTTTGTACCATTATTATTGGTGCTAAAGTTTGATCACTTGGTGAAGGAAGTGTACTTCAGATTTCCTCATTAAAAATGTACCCTTCTCTTTCATACTTCACAAGTAATTTGTGTACAATACTTTTTCTCTATCTATTGAGGGGGTCTTGCTCTGTCACTCAGGCTGGAGTGCAGTGGCATGATCATGGCTCACTGCAGCCTTGACTTCCTGGGCTCAGGTGATCCTCCCACCTCAACCTCCCAAGTAGCTGGGACTACAGGCGTGCACTACCACACCCAGCTAATTTTTTGTAGTGATGGGGTTTTAC on transcript NM_016123.4 (MANE Select); coding-DNA positions 554 to 556, the reference bases replaced by an inserted sequence.
Protein change: p.Ile185_Ser186delinsArgGlyThrTyrTer.
Molecular consequence: nonsense.
Genome position (GRCh38, 1-based): chr12:43,772,975-43,772,977, 3 bases replaced. GRCh37 (hg19): chr12:44,166,778-44,166,780.
Other names: c.554_556delinsGGGGTACATATTAGCATTTTGTACCATTATTATTGGTGCTAAAGTTTGATCACTTGGTGAAGGAAGTGTACTTCAGATTTCCTCATTAAAAATGTACCCTTCTCTTTCATACTTCACAAGTAATTTGTGTACAATACTTTTTCTCTATCTATTGAGGGGGTCTTGCTCTGTCACTCAGGCTGGAGTGCAGTGGCATGATCATGGCTCACTGCAGCCTTGACTTCCTGGGCTCAGGTGATCCTCCCACCTCAACCTCCCAAGTAGCTGGGACTACAGGCGTGCACTACCACACCCAGCTAATTTTTTGTAGTGATGGGGTTTTAC, p.Ile185_Ser186delinsArgGlyThrTyrTer (NM_001114182.3, NM_001351345.2); c.182_184delinsGGGGTACATATTAGCATTTTGTACCATTATTATTGGTGCTAAAGTTTGATCACTTGGTGAAGGAAGTGTACTTCAGATTTCCTCATTAAAAATGTACCCTTCTCTTTCATACTTCACAAGTAATTTGTGTACAATACTTTTTCTCTATCTATTGAGGGGGTCTTGCTCTGTCACTCAGGCTGGAGTGCAGTGGCATGATCATGGCTCACTGCAGCCTTGACTTCCTGGGCTCAGGTGATCCTCCCACCTCAACCTCCCAAGTAGCTGGGACTACAGGCGTGCACTACCACACCCAGCTAATTTTTTGTAGTGATGGGGTTTTAC, p.Ile61_Ser62delinsArgGlyThrTyrTer (NM_001145256.2, NM_001145257.2, NM_001145258.2 and 5 more transcripts); c.31_33delinsGGGGTACATATTAGCATTTTGTACCATTATTATTGGTGCTAAAGTTTGATCACTTGGTGAAGGAAGTGTACTTCAGATTTCCTCATTAAAAATGTACCCTTCTCTTTCATACTTCACAAGTAATTTGTGTACAATACTTTTTCTCTATCTATTGAGGGGGTCTTGCTCTGTCACTCAGGCTGGAGTGCAGTGGCATGATCATGGCTCACTGCAGCCTTGACTTCCTGGGCTCAGGTGATCCTCCCACCTCAACCTCCCAAGTAGCTGGGACTACAGGCGTGCACTACCACACCCAGCTAATTTTTTGTAGTGATGGGGTTTTAC, p.Phe11delinsGlyValHisIleSerIleLeuTyrHisTyrTyrTrpCysTer (NM_001351343.2, NM_001351344.2).
Identifiers: ClinVar variation 3648245 (VCV003648245.2).